The following is an entry in ClinVar:

ClinVar aggregate classification (germline): Uncertain significance (1 of 4 stars; one submission).

Conditions:
Gastrointestinal stromal tumor. Also called: Gastrointestinal stromal tumor, somatic; Gastrointestinal stroma tumor. Identifiers: Orphanet 44890, MedGen C0238198, MeSH D046152, MONDO:0011719, OMIM 606764, HP:0100723.

Submission:

Labcorp Genetics (formerly Invitae), Labcorp
Classification: Uncertain significance for Gastrointestinal stromal tumor. Last evaluated: 2025-10-01. Review status: criteria provided, single submitter. Criteria: Invitae Variant Classification Sherloc (09022015). Collection method: clinical testing. Allele origin: germline.
Comment: This sequence change replaces aspartic acid, which is acidic and polar, with tyrosine, which is neutral and polar, at codon 1026 of the PDGFRA protein (p.Asp1026Tyr). This variant is not present in population databases (gnomAD no frequency). This variant has not been reported in the literature in individuals affected with PDGFRA-related conditions. ClinVar contains an entry for this variant (Variation ID: 3665691). Invitae Evidence Modeling of protein sequence and biophysical properties (such as structural, functional, and spatial information, amino acid conservation, physicochemical variation, residue mobility, and thermodynamic stability) has been performed for this missense variant. However, the output from this modeling did not meet the statistical confidence thresholds required to predict the impact of this variant on PDGFRA protein function. In summary, the available evidence is currently insufficient to determine the role of this variant in disease. Therefore, it has been classified as a Variant of Uncertain Significance.

NM_006206.6(PDGFRA):c.3076G>T (p.Asp1026Tyr)

Gene: PDGFRA (platelet derived growth factor receptor alpha; plus strand). Cytogenetic location: 4q12.
Variant type: single nucleotide variant.
Coding change: c.3076G>T on transcript NM_006206.6 (MANE Select); coding-DNA position 3076, G replaced by T.
Protein change: p.Asp1026Tyr; replaces aspartic acid 1026 with tyrosine.
Molecular consequence: missense variant.
Genome position (GRCh38, 1-based): chr4:54,290,508, G>T. VCF-style: chr4-54290508-G-T. GRCh37 (hg19) VCF-style: chr4-55156675-G-T.
Other names: c.3151G>T, p.Asp1051Tyr (NM_001347828.2); c.3076G>T, p.Asp1026Tyr (NM_001347829.2); c.3115G>T, p.Asp1039Tyr (NM_001347830.2); short protein forms D1051Y, D1026Y, D1039Y.
Identifiers: ClinVar variation 3665691 (VCV003665691.2).